The following is an entry in ClinVar:

ClinVar aggregate classification (germline): Uncertain significance (1 of 4 stars; one submission).

Conditions:
Hereditary spastic paraplegia 62. Also called: Spastic paraplegia 62, autosomal recessive. Identifiers: Orphanet 401785, MedGen C4284588, MONDO:0014302, OMIM 615681.

Allele frequency attached by ClinVar (database versions not stated): ExAC 0.00001; gnomAD 0.00001; TOPMed 0.00001.
gnomAD v4.1: 4 of 1,612,308 alleles (0.00025%); highest among the groups gnomAD compares: Non-Finnish European, 0.00034%; no homozygotes.

Submission:

Labcorp Genetics (formerly Invitae), Labcorp
Classification: Uncertain significance for Hereditary spastic paraplegia 62. Last evaluated: 2022-07-26. Review status: criteria provided, single submitter. Criteria: Invitae Variant Classification Sherloc (09022015). Collection method: clinical testing. Allele origin: germline.
Comment: This sequence change replaces threonine, which is neutral and polar, with methionine, which is neutral and non-polar, at codon 60 of the ERLIN1 protein (p.Thr60Met). This variant is present in population databases (rs751083774, gnomAD 0.0009%). This variant has not been reported in the literature in individuals affected with ERLIN1-related conditions. Algorithms developed to predict the effect of missense changes on protein structure and function are either unavailable or do not agree on the potential impact of this missense change (SIFT: "Deleterious"; PolyPhen-2: "Benign"; Align-GVGD: "Class C0"). Algorithms developed to predict the effect of sequence changes on RNA splicing suggest that this variant may disrupt the consensus splice site. In summary, the available evidence is currently insufficient to determine the role of this variant in disease. Therefore, it has been classified as a Variant of Uncertain Significance.

NM_006459.4(ERLIN1):c.179C>T (p.Thr60Met)

Gene: ERLIN1 (ER lipid raft associated 1; minus strand). Cytogenetic location: 10q24.31.
Variant type: single nucleotide variant.
Coding change: c.179C>T on transcript NM_006459.4 (MANE Select); coding-DNA position 179, C replaced by T.
Protein change: p.Thr60Met; replaces threonine 60 with methionine.
Molecular consequence: missense variant. On other transcripts: 5 prime UTR variant (1), non-coding transcript variant (5), intron variant (1).
Genome position (GRCh38, 1-based): chr10:100,183,772, G>A on the plus strand (C>T on the coding strand, the complement: ERLIN1 is on the minus strand). VCF-style: chr10-100183772-G-A. GRCh37 (hg19) VCF-style: chr10-101943529-G-A.
Other names: c.179C>T, p.Thr60Met (NM_001100626.2, NM_001347857.2, NM_001347859.2 and 2 more transcripts); c.-193C>T (NM_001347858.2); c.-58+1742C>T (NM_001347856.2); short protein forms T60M.
Identifiers: ClinVar variation 2159668 (VCV002159668.1), dbSNP rs751083774, ClinGen allele CA5646148.